The following is an entry in ClinVar:

ClinVar aggregate classification (germline): Uncertain significance (1 of 4 stars; one submission).

Submission:

Dasa
Classification: Uncertain significance. Last evaluated: 2026-06-15. Review status: criteria provided, single submitter. Criteria: DASA Assertion Criteria. Collection method: clinical testing. Allele origin: germline.
Comment: NM_178012.5(TUBB2B):c.767A>T (p.Asn256Ile) is a missense variant that results in the substitution of asparagine with isoleucine. This variant is rare in population databases. Computational prediction algorithms are consistent with a deleterious effect. The currently available literature and clinical evidence are not sufficient to establish a definitive association between this variant and the reported condition. Therefore, this variant is classified as a variant of uncertain significance.

NM_178012.5(TUBB2B):c.767A>T (p.Asn256Ile)

Gene: TUBB2B (tubulin beta 2B class IIb; minus strand). Cytogenetic location: 6p25.2.
Variant type: single nucleotide variant.
Coding change: c.767A>T on transcript NM_178012.5 (MANE Select); coding-DNA position 767, A replaced by T.
Protein change: p.Asn256Ile; replaces asparagine 256 with isoleucine.
Molecular consequence: missense variant.
Genome position (GRCh38, 1-based): chr6:3,225,322, T>A on the plus strand (A>T on the coding strand, the complement: TUBB2B is on the minus strand). VCF-style: chr6-3225322-T-A. GRCh37 (hg19) VCF-style: chr6-3225556-T-A.
Other names: short protein forms N256I.
Identifiers: ClinVar variation 5020365 (VCV005020365.1).